The following is an entry in ClinVar:

NM_006904.7(PRKDC):c.6287C>T (p.Pro2096Leu)

Gene: PRKDC (protein kinase, DNA-activated, catalytic subunit; minus strand). Cytogenetic location: 8q11.21.
Variant type: single nucleotide variant.
Coding change: c.6287C>T on transcript NM_006904.7 (MANE Select); coding-DNA position 6287, C replaced by T.
Protein change: p.Pro2096Leu; replaces proline 2096 with leucine.
Molecular consequence: missense variant.
Genome position (GRCh38, 1-based): chr8:47,858,907, G>A on the plus strand (C>T on the coding strand, the complement: PRKDC is on the minus strand). VCF-style: chr8-47858907-G-A. GRCh37 (hg19) VCF-style: chr8-48771468-G-A.
Other names: c.6287C>T, p.Pro2096Leu (NM_001081640.2); short protein forms P2096L.
Identifiers: ClinVar variation 2497430 (VCV002497430.2), dbSNP rs2551870084, ClinGen allele CA371160929.

ClinVar aggregate classification (germline): Uncertain significance (1 of 4 stars; one submission).

Submission:

Ambry Genetics
Classification: Uncertain significance. Last evaluated: 2023-03-06. Review status: criteria provided, single submitter. Criteria: Ambry Variant Classification Scheme 2023. Collection method: clinical testing. Allele origin: germline.
Comment: The p.P2096L variant (also known as c.6287C>T), located in coding exon 47 of the PRKDC gene, results from a C to T substitution at nucleotide position 6287. The proline at codon 2096 is replaced by leucine, an amino acid with similar properties. This amino acid position is conserved. Since supporting evidence is limited at this time, the clinical significance of this alteration remains unclear.